The following is an entry in ClinVar:

NM_206937.2(LIG4):c.949A>G (p.Asn317Asp)

Gene: LIG4 (DNA ligase 4; minus strand). Cytogenetic location: 13q33.3.
Variant type: single nucleotide variant.
Coding change: c.949A>G on transcript NM_206937.2 (MANE Select); coding-DNA position 949, A replaced by G.
Protein change: p.Asn317Asp; replaces asparagine 317 with aspartic acid.
Molecular consequence: missense variant.
Genome position (GRCh38, 1-based): chr13:108,210,320, T>C on the plus strand (A>G on the coding strand, the complement: LIG4 is on the minus strand). VCF-style: chr13-108210320-T-C. GRCh37 (hg19) VCF-style: chr13-108862668-T-C.
Other names: c.949A>G, p.Asn317Asp (NM_002312.3, NM_001098268.2, NM_001352598.2 and 6 more transcripts); c.748A>G, p.Asn250Asp (NM_001330595.2); c.985A>G, p.Asn329Asp (NM_001352604.2); short protein forms N250D, N317D, N329D.
Identifiers: ClinVar variation 965512 (VCV000965512.8), dbSNP rs1566365677, ClinGen allele CA388619152.

ClinVar aggregate classification (germline): Uncertain significance (1 of 4 stars; one submission).

Conditions:
DNA ligase IV deficiency. Identifiers: Orphanet 99812, MedGen C1847827, MONDO:0011686, OMIM 606593.

Allele frequency attached by ClinVar (database versions not stated): gnomAD exomes below 0.00001.
gnomAD v4.1: 1 of 1,613,940 alleles (0.000062%); highest among the groups gnomAD compares: Non-Finnish European, 0.000085%; no homozygotes.

Submission:

Labcorp Genetics (formerly Invitae), Labcorp
Classification: Uncertain significance for DNA ligase IV deficiency. Last evaluated: 2019-11-04. Review status: criteria provided, single submitter. Criteria: Invitae Variant Classification Sherloc (09022015). Collection method: clinical testing. Allele origin: germline.
Comment: In summary, the available evidence is currently insufficient to determine the role of this variant in disease. Therefore, it has been classified as a Variant of Uncertain Significance. Algorithms developed to predict the effect of missense changes on protein structure and function output the following: SIFT: "Tolerated"; PolyPhen-2: "Benign"; Align-GVGD: "Class C0". The aspartic acid amino acid residue is found in multiple mammalian species, suggesting that this missense change does not adversely affect protein function. These predictions have not been confirmed by published functional studies and their clinical significance is uncertain. This variant has not been reported in the literature in individuals with LIG4-related conditions. This variant is not present in population databases (ExAC no frequency). This sequence change replaces asparagine with aspartic acid at codon 317 of the LIG4 protein (p.Asn317Asp). The asparagine residue is moderately conserved and there is a small physicochemical difference between asparagine and aspartic acid.